The following is an entry in ClinVar:

NM_006593.4(TBR1):c.1060G>A (p.Gly354Ser)

Gene: TBR1 (T-box brain transcription factor 1; plus strand). Cytogenetic location: 2q24.2.
Variant type: single nucleotide variant.
Coding change: c.1060G>A on transcript NM_006593.4 (MANE Select); coding-DNA position 1060, G replaced by A.
Protein change: p.Gly354Ser; replaces glycine 354 with serine.
Molecular consequence: missense variant.
Genome position (GRCh38, 1-based): chr2:161,418,982, G>A. VCF-style: chr2-161418982-G-A. GRCh37 (hg19) VCF-style: chr2-162275493-G-A.
Other names: short protein forms G354S.
Identifiers: ClinVar variation 3363367 (VCV003363367.2).

ClinVar aggregate classification (germline): Uncertain significance (1 of 4 stars; one submission).

Submission:

GeneDx
Classification: Uncertain significance. Last evaluated: 2026-02-20. Review status: criteria provided, single submitter. Criteria: GeneDx Variant Classification Process June 2021. Collection method: clinical testing. Allele origin: germline.
Comment: Not observed at significant frequency in large population cohorts (gnomAD); In silico analysis supports that this missense variant does not alter protein structure/function; Has not been previously published as pathogenic or benign to our knowledge